The following is an entry in ClinVar:

NM_003482.4(KMT2D):c.540C>T (p.Ala180=)

Gene: KMT2D (lysine methyltransferase 2D; minus strand). Cytogenetic location: 12q13.12.
Variant type: single nucleotide variant.
Coding change: c.540C>T on transcript NM_003482.4 (MANE Select); coding-DNA position 540, C replaced by T.
Protein change: p.Ala180=; no amino-acid change (alanine 180 retained).
Molecular consequence: synonymous variant.
Genome position (GRCh38, 1-based): chr12:49,054,111, G>A on the plus strand (C>T on the coding strand, the complement: KMT2D is on the minus strand). VCF-style: chr12-49054111-G-A. GRCh37 (hg19) VCF-style: chr12-49447894-G-A.
Identifiers: ClinVar variation 3357895 (VCV003357895.3).

ClinVar aggregate classification (germline): Likely benign. Review status: criteria provided, single submitter (1 of 4 stars). 2 submissions from 2 submitters: Likely benign (1). 1 of the submissions does not count toward it. Last evaluated 2024-11-11.

Conditions:
Kabuki syndrome. Also called: NIIKAWA-KUROKI SYNDROME; Kabuki make-up syndrome. Identifiers: Orphanet 2322, MedGen C0796004, MONDO:0016512.
KMT2D-related disorder. Also called: KMT2D-Related Disorders.

Submissions (2):

Labcorp Genetics (formerly Invitae), Labcorp
Classification: Likely benign for Kabuki syndrome. Last evaluated: 2024-11-11. Review status: criteria provided, single submitter. Criteria: Invitae Variant Classification Sherloc (09022015). Collection method: clinical testing. Allele origin: germline.

PreventionGenetics, part of Exact Sciences
Classification: Likely benign for KMT2D-related condition. Last evaluated: 2024-09-24. Review status: no assertion criteria provided. Collection method: clinical testing. Allele origin: germline. Not counted in ClinVar's aggregate classification.
Comment: This variant is classified as likely benign based on ACMG/AMP sequence variant interpretation guidelines (Richards et al. 2015 PMID: 25741868, with internal and published modifications).